The following is an entry in ClinVar:

ClinVar aggregate classification (germline): Uncertain significance (1 of 4 stars; one submission).

Conditions:
Autosomal recessive severe congenital neutropenia due to JAGN1 deficiency. Also called: Severe congenital neutropenia 6, autosomal recessive. Identifiers: Orphanet 423384, MedGen C4014954, MONDO:0014456, OMIM 616022.

gnomAD v4.1: 1 of 1,610,356 alleles (0.000062%); highest among the groups gnomAD compares: Non-Finnish European, 0.000085%; no homozygotes.

Submission:

Labcorp Genetics (formerly Invitae), Labcorp
Classification: Uncertain significance for Autosomal recessive severe congenital neutropenia due to JAGN1 deficiency. Last evaluated: 2025-07-10. Review status: criteria provided, single submitter. Criteria: Invitae Variant Classification Sherloc (09022015). Collection method: clinical testing. Allele origin: germline.
Comment: This sequence change replaces aspartic acid, which is acidic and polar, with glycine, which is neutral and non-polar, at codon 16 of the JAGN1 protein (p.Asp16Gly). This variant is not present in population databases (gnomAD no frequency). This variant has not been reported in the literature in individuals affected with JAGN1-related conditions. An algorithm developed to predict the effect of missense changes on protein structure and function (PolyPhen-2) suggests that this variant is likely to be disruptive. In summary, the available evidence is currently insufficient to determine the role of this variant in disease. Therefore, it has been classified as a Variant of Uncertain Significance.

NM_032492.4(JAGN1):c.47A>G (p.Asp16Gly)

Gene: JAGN1 (jagunal vesicle mediated transporter 1; plus strand). Cytogenetic location: 3p25.3.
Variant type: single nucleotide variant.
Coding change: c.47A>G on transcript NM_032492.4 (MANE Select); coding-DNA position 47, A replaced by G.
Protein change: p.Asp16Gly; replaces aspartic acid 16 with glycine.
Molecular consequence: missense variant. On other transcripts: 5 prime UTR variant (1).
Genome position (GRCh38, 1-based): chr3:9,890,769, A>G. VCF-style: chr3-9890769-A-G. GRCh37 (hg19) VCF-style: chr3-9932453-A-G.
Other names: c.-222A>G (NM_001363890.1); short protein forms D16G.
Identifiers: ClinVar variation 4723015 (VCV004723015.1).